The following is an entry in ClinVar:

ClinVar aggregate classification (germline): Uncertain significance (1 of 4 stars; one submission).

Conditions:
Fetal akinesia deformation sequence 1 (FADS1). Also called: Pena-Shokeir syndrome type I; Fetal akinesia sequence. Identifiers: Orphanet 994, MedGen C1276035, MONDO:0100101, OMIM 208150, HP:0001989.
Congenital myasthenic syndrome 10. Also called: Myasthenia, limb-girdle, familial. Identifiers: Orphanet 590, MedGen C1850792, MONDO:0009690, OMIM 254300.

Allele frequency attached by ClinVar (database versions not stated): gnomAD exomes 0.00001; TOPMed 0.00001.

Submission:

Labcorp Genetics (formerly Invitae), Labcorp
Classification: Uncertain significance for Congenital myasthenic syndrome 10; Fetal akinesia deformation sequence 1. Last evaluated: 2024-08-12. Review status: criteria provided, single submitter. Criteria: Invitae Variant Classification Sherloc (09022015). Collection method: clinical testing. Allele origin: germline.
Comment: This sequence change replaces arginine, which is basic and polar, with glutamine, which is neutral and polar, at codon 201 of the DOK7 protein (p.Arg201Gln). This variant is present in population databases (no rsID available, gnomAD 0.006%). This variant has not been reported in the literature in individuals affected with DOK7-related conditions. ClinVar contains an entry for this variant (Variation ID: 645670). An algorithm developed to predict the effect of missense changes on protein structure and function (PolyPhen-2) suggests that this variant is likely to be disruptive. In summary, the available evidence is currently insufficient to determine the role of this variant in disease. Therefore, it has been classified as a Variant of Uncertain Significance.

NM_173660.5(DOK7):c.602G>A (p.Arg201Gln)

Gene: DOK7 (docking protein 7; plus strand). Cytogenetic location: 4p16.3.
Variant type: single nucleotide variant.
Coding change: c.602G>A on transcript NM_173660.5 (MANE Select); coding-DNA position 602, G replaced by A.
Protein change: p.Arg201Gln; replaces arginine 201 with glutamine.
Molecular consequence: missense variant. On other transcripts: synonymous variant (1), 5 prime UTR variant (1).
Genome position (GRCh38, 1-based): chr4:3,485,608, G>A. VCF-style: chr4-3485608-G-A. GRCh37 (hg19) VCF-style: chr4-3487335-G-A.
Other names: c.591G>A, p.Pro197= (NM_001164673.2); c.-329G>A (NM_001256896.2); c.602G>A, p.Arg201Gln (NM_001301071.2); c.170G>A, p.Arg57Gln (NM_001363811.2); short protein forms R201Q, R57Q.
Identifiers: ClinVar variation 645670 (VCV000645670.6), dbSNP rs1339181692, ClinGen allele CA356115032.